The following is an entry in ClinVar:

NM_004360.5(CDH1):c.1161C>A (p.Asn387Lys)

Gene: CDH1 (cadherin 1; plus strand). Cytogenetic location: 16q22.1.
Variant type: single nucleotide variant.
Coding change: c.1161C>A on transcript NM_004360.5 (MANE Select); coding-DNA position 1161, C replaced by A.
Protein change: p.Asn387Lys; replaces asparagine 387 with lysine.
Molecular consequence: missense variant. On other transcripts: 5 prime UTR variant (2), intron variant (1).
Genome position (GRCh38, 1-based): chr16:68,813,336, C>A. VCF-style: chr16-68813336-C-A. GRCh37 (hg19) VCF-style: chr16-68847239-C-A.
Other names: c.1161C>A (LRG_301t1); c.-455C>A (NM_001317185.2); c.-659C>A (NM_001317186.2); c.1137+1073C>A (NM_001317184.2); short protein forms N387K.
Identifiers: ClinVar variation 489847 (VCV000489847.16), dbSNP rs111266450, ClinGen allele CA283307193.

ClinVar aggregate classification (germline): Uncertain significance. Review status: criteria provided, multiple submitters, no conflicts (2 of 4 stars). 4 submissions from 4 submitters: Uncertain significance (4). Last evaluated 2025-09-18.

Conditions:
Hereditary cancer-predisposing syndrome. Also called: Tumor predisposition; Neoplastic Syndromes, Hereditary; Hereditary Cancer Syndrome; Hereditary neoplastic syndrome. Identifiers: Orphanet 140162, MedGen C0027672, MeSH D009386, MONDO:0015356.
Hereditary diffuse gastric adenocarcinoma (HDGC). Also called: DIFFUSE GASTRIC AND LOBULAR BREAST CANCER SYNDROME. Identifiers: Orphanet 26106, MedGen C1708349, MONDO:0007648, OMIM 137215.

gnomAD v4.1: 12 of 1,614,090 alleles (0.00074%); highest among the groups gnomAD compares: South Asian, 0.012%; no homozygotes.

Submissions (4):

Ambry Genetics
Classification: Uncertain significance for Hereditary cancer-predisposing syndrome. Last evaluated: 2025-09-18. Review status: criteria provided, single submitter. Criteria: Ambry Variant Classification Scheme 2023. Collection method: clinical testing. Allele origin: germline.
Comment: The p.N387K variant (also known as c.1161C>A), located in coding exon 9 of the CDH1 gene, results from a C to A substitution at nucleotide position 1161. The asparagine at codon 387 is replaced by lysine, an amino acid with similar properties. This amino acid position is highly conserved in available vertebrate species. In addition, this alteration is predicted to be tolerated by in silico analysis. Since supporting evidence is limited at this time, the clinical significance of this alteration remains unclear.

Labcorp Genetics (formerly Invitae), Labcorp
Classification: Uncertain significance for Hereditary diffuse gastric adenocarcinoma. Last evaluated: 2025-06-16. Review status: criteria provided, single submitter. Criteria: Invitae Variant Classification Sherloc (09022015). Collection method: clinical testing. Allele origin: germline.
Comment: This sequence change replaces asparagine, which is neutral and polar, with lysine, which is basic and polar, at codon 387 of the CDH1 protein (p.Asn387Lys). This variant is present in population databases (no rsID available, gnomAD 0.006%). This variant has not been reported in the literature in individuals affected with CDH1-related conditions. ClinVar contains an entry for this variant (Variation ID: 489847). An algorithm developed to predict the effect of missense changes on protein structure and function (PolyPhen-2) suggests that this variant is likely to be disruptive. In summary, the available evidence is currently insufficient to determine the role of this variant in disease. Therefore, it has been classified as a Variant of Uncertain Significance.

Center for Genomic Medicine, Rigshospitalet, Copenhagen University Hospital
Classification: Uncertain significance. Last evaluated: 2025-03-04. Review status: criteria provided, single submitter. Criteria: ACMG Guidelines, 2015. Collection method: clinical testing. Allele origin: germline.

Color Diagnostics, LLC DBA Color Health
Classification: Uncertain significance for Hereditary cancer-predisposing syndrome. Last evaluated: 2022-12-27. Review status: criteria provided, single submitter. Criteria: ACMG Guidelines, 2015. Collection method: clinical testing. Allele origin: germline.
Comment: This missense variant replaces asparagine with lysine at codon 387 of the CDH1 protein. To our knowledge, functional studies have not been reported for this variant. This variant has not been reported in individuals affected with hereditary cancer in the literature. This variant has been identified in 2/251478 chromosomes in the general population by the Genome Aggregation Database (gnomAD). The available evidence is insufficient to determine the role of this variant in disease conclusively. Therefore, this variant is classified as a Variant of Uncertain Significance.